The following is an entry in ClinVar:

NM_001605.3(AARS1):c.1444G>T (p.Asp482Tyr)

Gene: AARS1 (alanyl-tRNA synthetase 1; minus strand). Cytogenetic location: 16q22.1.
Variant type: single nucleotide variant.
Coding change: c.1444G>T on transcript NM_001605.3 (MANE Select); coding-DNA position 1444, G replaced by T.
Protein change: p.Asp482Tyr; replaces aspartic acid 482 with tyrosine.
Molecular consequence: missense variant.
Genome position (GRCh38, 1-based): chr16:70,265,006, C>A on the plus strand (G>T on the coding strand, the complement: AARS1 is on the minus strand). VCF-style: chr16-70265006-C-A. GRCh37 (hg19) VCF-style: chr16-70298909-C-A.
Other names: short protein forms D482Y.
Identifiers: ClinVar variation 1032755 (VCV001032755.1), dbSNP rs763513667, ClinGen allele CA8140811.

ClinVar aggregate classification (germline): Uncertain significance (1 of 4 stars; one submission).

Conditions:
Charcot-Marie-Tooth disease axonal type 2N (CMT2N). Also called: Charcot-Marie-Tooth Neuropathy Type 2N; CHARCOT-MARIE-TOOTH DISEASE, AXONAL, AUTOSOMAL DOMINANT, TYPE 2N; CHARCOT-MARIE-TOOTH NEUROPATHY, AXONAL, TYPE 2N. Identifiers: Orphanet 228174, MedGen C2750090, MONDO:0013212, OMIM 613287.

Allele frequency attached by ClinVar (database versions not stated): gnomAD exomes below 0.00001; ExAC 0.00001.
gnomAD v4.1: 1 of 1,614,166 alleles (0.000062%); highest among the groups gnomAD compares: East Asian, 0.0022%; no homozygotes.

Submission:

Baylor Genetics
Classification: Uncertain significance for Charcot-Marie-Tooth disease axonal type 2N. Last evaluated: 2018-06-28. Review status: criteria provided, single submitter. Criteria: ACMG Guidelines, 2015. Collection method: clinical testing. Allele origin: paternal. Affected: yes.
Comment: This variant was determined to be of uncertain significance according to ACMG Guidelines, 2015 [PMID:25741868].